The following is an entry in ClinVar:

ClinVar aggregate classification (germline): Uncertain significance (1 of 4 stars; one submission).

Conditions:
Spinocerebellar ataxia 42, early-onset, severe, with neurodevelopmental deficits. Identifiers: MedGen C4748120, MONDO:0060758, OMIM 618087.

Allele frequency attached by ClinVar (database versions not stated): gnomAD exomes below 0.00001; TOPMed 0.00001.

Submission:

MVZ Medizinische Genetik Mainz
Classification: Uncertain significance for Spinocerebellar ataxia 42, early-onset, severe, with neurodevelopmental deficits. Last evaluated: 2023-10-31. Review status: criteria provided, single submitter. Criteria: UK Practice Guidelines For Variant Classification V4 01 2020. Collection method: clinical testing. Allele origin: germline. Inheritance: Autosomal dominant inheritance. Affected: yes. Observed: 1 variant allele.
Comment: ACMG Criteria: PP3_MOD,PM2_SUP,PP2

NM_018896.5(CACNA1G):c.661G>A (p.Val221Ile)

Gene: CACNA1G (calcium voltage-gated channel subunit alpha1 G; plus strand). Cytogenetic location: 17q21.33.
Variant type: single nucleotide variant.
Coding change: c.661G>A on transcript NM_018896.5 (MANE Select); coding-DNA position 661, G replaced by A.
Protein change: p.Val221Ile; replaces valine 221 with isoleucine.
Molecular consequence: missense variant. On other transcripts: non-coding transcript variant (5).
Genome position (GRCh38, 1-based): chr17:50,571,952, G>A. VCF-style: chr17-50571952-G-A. GRCh37 (hg19) VCF-style: chr17-48649313-G-A.
Other names: c.661G>A, p.Val221Ile (NM_001256324.2, NM_001256325.2, NM_001256326.2 and 24 more transcripts); short protein forms V221I.
Identifiers: ClinVar variation 3066134 (VCV003066134.1), dbSNP rs970742328, ClinGen allele CA291592536.